The following is an entry in ClinVar:

NM_015065.3(EXPH5):c.4556T>G (p.Leu1519Arg)

Gene: EXPH5 (exophilin 5; minus strand). Cytogenetic location: 11q22.3.
Variant type: single nucleotide variant.
Coding change: c.4556T>G on transcript NM_015065.3 (MANE Select); coding-DNA position 4556, T replaced by G.
Protein change: p.Leu1519Arg; replaces leucine 1519 with arginine.
Molecular consequence: missense variant.
Genome position (GRCh38, 1-based): chr11:108,510,951, A>C on the plus strand (T>G on the coding strand, the complement: EXPH5 is on the minus strand). VCF-style: chr11-108510951-A-C. GRCh37 (hg19) VCF-style: chr11-108381678-A-C.
Other names: c.4328T>G, p.Leu1443Arg (NM_001144763.2); c.4088T>G, p.Leu1363Arg (NM_001144764.2); c.3992T>G, p.Leu1331Arg (NM_001144765.2); c.4535T>G, p.Leu1512Arg (NM_001308019.2); c.4556T>G (NM_015065.2); short protein forms L1512R, L1331R, L1363R, L1519R, L1443R.
Identifiers: ClinVar variation 1484461 (VCV001484461.10), dbSNP rs140766467, ClinGen allele CA6267501.
Genomic context (GRCh38, chr11:108,510,951, plus strand): 5'-TCTCTTGGTTCAGACTGCAGACTCTCTAAGTTTGGTTCATCTGACTGAGTCTCCTCACCA[A>C]GCTGTAGTTTATGCAATGCTGGAGTAAGGGCAAAGACTTGACTCTCTGAGTGAGAAAGTG-3'
Protein context (NP_055880.2, residues 1509-1529): ALTPALHKLQ[Leu1519Arg]GEETQSDEPN

ClinVar aggregate classification (germline): Uncertain significance. Review status: criteria provided, multiple submitters, no conflicts (2 of 4 stars). 4 submissions from 4 submitters: Uncertain significance (4). Last evaluated 2026-01-19.

Conditions:
Inborn genetic diseases. Identifiers: MedGen C0950123, MeSH D030342.

Allele frequency attached by ClinVar (database versions not stated): ESP Exome Variant Server 0.00031; gnomAD 0.00034 and 0.00036; gnomAD exomes 0.00047 and 0.00055; TOPMed 0.00050; ExAC 0.00054.

Submissions (4):

Labcorp Genetics (formerly Invitae), Labcorp
Classification: Uncertain significance. Last evaluated: 2026-01-19. Review status: criteria provided, single submitter. Criteria: Invitae Variant Classification Sherloc (09022015). Collection method: clinical testing. Allele origin: germline.
Comment: This sequence change replaces leucine, which is neutral and non-polar, with arginine, which is basic and polar, at codon 1519 of the EXPH5 protein (p.Leu1519Arg). This variant is present in population databases (rs140766467, gnomAD 0.09%), including at least one homozygous and/or hemizygous individual. This variant has not been reported in the literature in individuals affected with EXPH5-related conditions. ClinVar contains an entry for this variant (Variation ID: 1484461). An algorithm developed to predict the effect of missense changes on protein structure and function (PolyPhen-2) suggests that this variant is likely to be disruptive. In summary, the available evidence is currently insufficient to determine the role of this variant in disease. Therefore, it has been classified as a Variant of Uncertain Significance.

Ambry Genetics
Classification: Uncertain significance for Inborn genetic diseases. Last evaluated: 2025-11-24. Review status: criteria provided, single submitter. Criteria: Ambry Variant Classification Scheme 2023. Collection method: clinical testing. Allele origin: germline.

GeneDx
Classification: Uncertain significance. Last evaluated: 2025-03-04. Review status: criteria provided, single submitter. Criteria: GeneDx Variant Classification Process June 2021. Collection method: clinical testing. Allele origin: germline. Affected: yes.
Comment: In silico analysis supports that this missense variant has a deleterious effect on protein structure/function; Has not been previously published as pathogenic or benign to our knowledge

Breakthrough Genomics
Classification: Uncertain significance. Review status: criteria provided, single submitter. Criteria: ACMG Guidelines, 2015. Collection method: not provided. Allele origin: germline. Inheritance: Autosomal recessive inheritance. Affected: yes.